The following is an entry in ClinVar:

NM_001371986.1(UNC80):c.3041+2dup

Gene: UNC80 (unc-80 subunit of NALCN channel complex; plus strand). Cytogenetic location: 2q34.
Variant type: Duplication.
Coding change: c.3041+2dup on transcript NM_001371986.1 (MANE Select); the canonical splice donor site of the intron after coding-DNA position 3041, one base duplicated (T; older notation c.3041+2dupT).
Molecular consequence: splice donor variant.
Genome position (GRCh38, 1-based): chr2:209,835,012, T duplicated. VCF-style (leftmost placement, unchanged base first): chr2-209835011-G-GT. GRCh37 (hg19) VCF-style: chr2-210699735-G-GT.
Other names: c.3041+2dup (NM_032504.2); c.3026+2dup (NM_182587.4).
Identifiers: ClinVar variation 1392826 (VCV001392826.6), dbSNP rs2153828873, ClinGen allele CA2573135174.

ClinVar aggregate classification (germline): Uncertain significance (1 of 4 stars; one submission).

Submission:

Labcorp Genetics (formerly Invitae), Labcorp
Classification: Uncertain significance. Last evaluated: 2024-05-15. Review status: criteria provided, single submitter. Criteria: Invitae Variant Classification Sherloc (09022015). Collection method: clinical testing. Allele origin: germline.
Comment: This sequence change falls in intron 18 of the UNC80 gene. It does not directly change the encoded amino acid sequence of the UNC80 protein. It affects a nucleotide within the consensus splice site. This variant is not present in population databases (gnomAD no frequency). This variant has not been reported in the literature in individuals affected with UNC80-related conditions. ClinVar contains an entry for this variant (Variation ID: 1392826). Variants that disrupt the consensus splice site are a relatively common cause of aberrant splicing (PMID: 17576681, 9536098). Algorithms developed to predict the effect of sequence changes on RNA splicing suggest that this variant may disrupt the consensus splice site. In summary, the available evidence is currently insufficient to determine the role of this variant in disease. Therefore, it has been classified as a Variant of Uncertain Significance.

Literature cited by the submitters: PubMed 17576681; PubMed 9536098.